The following is an entry in ClinVar:

NM_004269.4(MED27):c.777G>A (p.Pro259=)

Gene: MED27 (mediator complex subunit 27; minus strand). Cytogenetic location: 9q34.13.
Variant type: single nucleotide variant.
Coding change: c.777G>A on transcript NM_004269.4 (MANE Select); coding-DNA position 777, G replaced by A.
Protein change: p.Pro259=; no amino-acid change (proline 259 retained).
Molecular consequence: synonymous variant.
Genome position (GRCh38, 1-based): chr9:131,863,087, C>T on the plus strand (G>A on the coding strand, the complement: MED27 is on the minus strand). VCF-style: chr9-131863087-C-T. GRCh37 (hg19) VCF-style: chr9-134738474-C-T.
Other names: c.669G>A, p.Pro223= (NM_001253881.2).
Identifiers: ClinVar variation 5038785 (VCV005038785.1).

ClinVar aggregate classification (germline): Likely benign (1 of 4 stars; one submission).

gnomAD v4.1: 96 of 1,614,118 alleles (0.0059%); highest among the groups gnomAD compares: Admixed American, 0.022%; no homozygotes.

Submission:

CeGaT Center for Human Genetics Tuebingen
Classification: Likely benign. Last evaluated: 2026-07-01. Review status: criteria provided, single submitter. Criteria: CeGaT Center For Human Genetics Tuebingen Variant Classification Criteria Version 2. Collection method: clinical testing. Allele origin: germline. Affected: yes. Observed: 1 variant allele.
Comment: MED27: BP4, BP7